The following is an entry in ClinVar:

NM_006269.2(RP1):c.2792C>G (p.Pro931Arg)

Gene: RP1 (RP1 axonemal microtubule associated; plus strand). Cytogenetic location: 8q12.1.
Variant type: single nucleotide variant.
Coding change: c.2792C>G on transcript NM_006269.2 (MANE Select); coding-DNA position 2792, C replaced by G.
Protein change: p.Pro931Arg; replaces proline 931 with arginine.
Molecular consequence: missense variant. On other transcripts: intron variant (1).
Genome position (GRCh38, 1-based): chr8:54,626,674, C>G. VCF-style: chr8-54626674-C-G. GRCh37 (hg19) VCF-style: chr8-55539234-C-G.
Other names: c.787+4386C>G (NM_001375654.1); c.2792C>G (NM_006269.1); short protein forms P931R.
Identifiers: ClinVar variation 2181331 (VCV002181331.7), dbSNP rs900863463, ClinGen allele CA177237316.
Genomic context (GRCh38, chr8:54,626,674, plus strand): 5'-CAATTCAAAATTATATACAGAGTTGGTTGCAGAACATAAATCCATATCCAACTTTAAAGC[C>G]TATAAAATCAGCTCCAGTATGTAGAAATGAAACGAGTGTGGTAAATTGTAGCAATAATAG-3'
Protein context (NP_006260.1, residues 921-941): QNINPYPTLK[Pro931Arg]IKSAPVCRNE

ClinVar aggregate classification (germline): Uncertain significance. Review status: criteria provided, multiple submitters, no conflicts (2 of 4 stars). 4 submissions from 4 submitters: Uncertain significance (4). Last evaluated 2025-05-15.

Conditions:
RP1-related disorder. Also called: RP1-related condition.
Inborn genetic diseases. Identifiers: MedGen C0950123, MeSH D030342.

Allele frequency attached by ClinVar (database versions not stated): gnomAD 0.00002; TOPMed 0.00004.
gnomAD v4.1: 3 of 1,613,742 alleles (0.00019%); highest among the groups gnomAD compares: African/African-American, 0.004%; no homozygotes.

Submissions (4):

PreventionGenetics, part of Exact Sciences
Classification: Uncertain significance for RP1-related condition. Last evaluated: 2025-05-15. Review status: criteria provided, single submitter. Criteria: ACMG Guidelines, 2015. Collection method: clinical testing. Allele origin: germline.
Comment: The RP1 c.2792C>G variant is predicted to result in the amino acid substitution p.Pro931Arg. To our knowledge, this variant has not been reported in the literature or in a large population database (gnomAD), indicating this variant is rare. At this time, the clinical significance of this variant is uncertain due to the absence of conclusive functional and genetic evidence.

Labcorp Genetics (formerly Invitae), Labcorp
Classification: Uncertain significance. Last evaluated: 2025-02-10. Review status: criteria provided, single submitter. Criteria: Invitae Variant Classification Sherloc (09022015). Collection method: clinical testing. Allele origin: germline.
Comment: This sequence change replaces proline, which is neutral and non-polar, with arginine, which is basic and polar, at codon 931 of the RP1 protein (p.Pro931Arg). This variant is not present in population databases (gnomAD no frequency). This variant has not been reported in the literature in individuals affected with RP1-related conditions. ClinVar contains an entry for this variant (Variation ID: 2181331). An algorithm developed to predict the effect of missense changes on protein structure and function (PolyPhen-2) suggests that this variant is likely to be disruptive. In summary, the available evidence is currently insufficient to determine the role of this variant in disease. Therefore, it has been classified as a Variant of Uncertain Significance.

Ambry Genetics
Classification: Uncertain significance for Inborn genetic diseases. Last evaluated: 2022-12-19. Review status: criteria provided, single submitter. Criteria: Ambry Variant Classification Scheme 2023. Collection method: clinical testing. Allele origin: germline.

Blueprint Genetics
Classification: Uncertain significance. Last evaluated: 2022-10-09. Review status: criteria provided, single submitter. Criteria: ACMG Guidelines, 2015. Collection method: clinical testing. Allele origin: germline.